The following is an entry in ClinVar:

ClinVar aggregate classification (germline): Likely benign (1 of 4 stars; one submission).

Allele frequency attached by ClinVar (database versions not stated): 1000 Genomes Project 30x 0.00297; 1000 Genomes Project 0.00339; gnomAD 0.00826 and 0.00859; TOPMed 0.00838.
gnomAD v4.1: 1,260 of 152,322 alleles (0.83%); highest among the groups gnomAD compares: Non-Finnish European, 1.4%; 10 homozygotes.

Submission:

GeneDx
Classification: Likely benign. Last evaluated: 2018-06-16. Review status: criteria provided, single submitter. Criteria: GeneDx Variant Classification (06012015). Collection method: clinical testing. Allele origin: germline. Affected: yes.
Comment: This variant is considered likely benign or benign based on one or more of the following criteria: it is a conservative change, it occurs at a poorly conserved position in the protein, it is predicted to be benign by multiple in silico algorithms, and/or has population frequency not consistent with disease.

NM_000426.4(LAMA2):c.8245-167G>A

Genes: LAMA2 (laminin subunit alpha 2; plus strand), LOC126859784 (CDK7 strongly-dependent group 2 enhancer GRCh37_chr6:129822854-129824053; plus strand). Cytogenetic location: 6q22.33.
Variant type: single nucleotide variant.
Coding change: c.8245-167G>A on transcript NM_000426.4 (MANE Select); 167 bases into the intron before coding-DNA position 8245, G replaced by A.
Molecular consequence: intron variant.
Genome position (GRCh38, 1-based): chr6:129,502,492, G>A. VCF-style: chr6-129502492-G-A. GRCh37 (hg19) VCF-style: chr6-129823637-G-A.
Other names: c.8233-167G>A (NM_001079823.2).
Identifiers: ClinVar variation 677667 (VCV000677667.1), dbSNP rs143852113, ClinGen allele CA146923512.